The following is an entry in ClinVar:

NM_001035.3(RYR2):c.7965+6T>C

Gene: RYR2 (ryanodine receptor 2; plus strand). Cytogenetic location: 1q43.
Variant type: single nucleotide variant.
Coding change: c.7965+6T>C on transcript NM_001035.3 (MANE Select); 6 bases into the intron after coding-DNA position 7965, T replaced by C.
Molecular consequence: intron variant.
Genome position (GRCh38, 1-based): chr1:237,654,420, T>C. VCF-style: chr1-237654420-T-C. GRCh37 (hg19) VCF-style: chr1-237817720-T-C.
Identifiers: ClinVar variation 3070235 (VCV003070235.1), dbSNP rs773987810, ClinGen allele CA087535.

ClinVar aggregate classification (germline): Uncertain significance (1 of 4 stars; one submission).

Conditions:
Catecholaminergic polymorphic ventricular tachycardia (CVPT). Also called: Catecholamine-induced polymorphic ventricular tachycardia. Identifiers: Orphanet 3286, MedGen C5574922, MONDO:0017990.

Allele frequency attached by ClinVar (database versions not stated): ExAC 0.00001; gnomAD 0.00001.
gnomAD v4.1: 1 of 1,613,500 alleles (0.000062%); highest among the groups gnomAD compares: Non-Finnish European, 0.000085%; no homozygotes.

Submission:

All of Us Research Program, National Institutes of Health
Classification: Uncertain significance for Catecholaminergic polymorphic ventricular tachycardia. Last evaluated: 2023-04-03. Review status: criteria provided, single submitter. Criteria: ACMG Guidelines, 2015. Collection method: clinical testing. Allele origin: germline. Inheritance: Autosomal dominant inheritance. Observed: 1 variant allele, 1 heterozygote.
Comment: This variant causes a T to C nucleotide substitution at the +6 position of intron 52 of the RYR2 gene. To our knowledge, functional studies have not been reported for this variant. This variant has not been reported in individuals affected with RYR2-related disorders in the literature. This variant has been identified in 1/248594 chromosomes in the general population by the Genome Aggregation Database (gnomAD). The available evidence is insufficient to determine the role of this variant in disease conclusively. Therefore, this variant is classified as a Variant of Uncertain Significance.

This study involves interpretation of variants in research participants for the purpose of population health screening. Participant phenotype was not available at the time of variant classification. Additional details can be found in publication PMID: 35346344, PMCID: PMC8962531